The following is an entry in ClinVar:

ClinVar aggregate classification (germline): Uncertain significance (1 of 4 stars; one submission).

Conditions:
Spermatogenic failure 18. Identifiers: MedGen C4539783, MONDO:0054615, OMIM 617576.
Ciliary dyskinesia, primary, 37 (CILD37). Also called: CILIARY DYSKINESIA, PRIMARY, 37, WITH OR WITHOUT SITUS INVERSUS. Identifiers: MedGen C4539798, MONDO:0033204, OMIM 617577.

Allele frequency attached by ClinVar (database versions not stated): 1000 Genomes Project 0.00020; gnomAD 0.00005 and 0.00004; TOPMed 0.00003; 1000 Genomes Project 30x 0.00016; gnomAD exomes 0.00004 and 0.00003; ExAC 0.00010.
gnomAD v4.1: 52 of 1,593,788 alleles (0.0033%); highest among the groups gnomAD compares: Middle Eastern, 0.033%; no homozygotes.

Submission:

Labcorp Genetics (formerly Invitae), Labcorp
Classification: Uncertain significance for Ciliary dyskinesia, primary, 37; Spermatogenic failure 18. Last evaluated: 2025-10-26. Review status: criteria provided, single submitter. Criteria: Invitae Variant Classification Sherloc (09022015). Collection method: clinical testing. Allele origin: germline.
Comment: This sequence change replaces arginine, which is basic and polar, with histidine, which is basic and polar, at codon 2495 of the DNAH1 protein (p.Arg2495His). This variant is present in population databases (rs183867998, gnomAD 0.02%). This variant has not been reported in the literature in individuals affected with DNAH1-related conditions. ClinVar contains an entry for this variant (Variation ID: 1380252). Invitae Evidence Modeling of protein sequence and biophysical properties (such as structural, functional, and spatial information, amino acid conservation, physicochemical variation, residue mobility, and thermodynamic stability) indicates that this missense variant is not expected to disrupt DNAH1 protein function with a negative predictive value of 80%. In summary, the available evidence is currently insufficient to determine the role of this variant in disease. Therefore, it has been classified as a Variant of Uncertain Significance.

NM_015512.5(DNAH1):c.7484G>A (p.Arg2495His)

Gene: DNAH1 (dynein axonemal heavy chain 1; plus strand). Cytogenetic location: 3p21.1.
Variant type: single nucleotide variant.
Coding change: c.7484G>A on transcript NM_015512.5 (MANE Select); coding-DNA position 7484, G replaced by A.
Protein change: p.Arg2495His; replaces arginine 2495 with histidine.
Molecular consequence: missense variant.
Genome position (GRCh38, 1-based): chr3:52,380,011, G>A. VCF-style: chr3-52380011-G-A. GRCh37 (hg19) VCF-style: chr3-52414027-G-A.
Other names: short protein forms R2495H.
Identifiers: ClinVar variation 1380252 (VCV001380252.7), dbSNP rs183867998, ClinGen allele CA2434898.
Genomic context (GRCh38, chr3:52,380,011, plus strand): 5'-TGTTCCGGGACCGACTGGTGAATGAGGAGGACCGCAGCTGGTTCGACCAGCTCCTCAAGC[G>A]CTGCATGGAGCAGTGGGAGGTGACCTTCAACAAGGTCTGCCCCTTCCAGCCCATTCTTTA-3'
Protein context (NP_056327.4, residues 2485-2505): DRSWFDQLLK[Arg2495His]CMEQWEVTFN